The following is an entry in ClinVar:

ClinVar aggregate classification (germline): Uncertain significance (1 of 4 stars; one submission).

gnomAD v4.1: 1 of 1,612,894 alleles (0.000062%); highest among the groups gnomAD compares: South Asian, 0.0011%; no homozygotes.

Submission:

Labcorp Genetics (formerly Invitae), Labcorp
Classification: Uncertain significance. Last evaluated: 2023-04-14. Review status: criteria provided, single submitter. Criteria: Invitae Variant Classification Sherloc (09022015). Collection method: clinical testing. Allele origin: germline.
Comment: In summary, the available evidence is currently insufficient to determine the role of this variant in disease. Therefore, it has been classified as a Variant of Uncertain Significance. Advanced modeling of protein sequence and biophysical properties (such as structural, functional, and spatial information, amino acid conservation, physicochemical variation, residue mobility, and thermodynamic stability) performed at Invitae indicates that this missense variant is not expected to disrupt RAI1 protein function. This variant has not been reported in the literature in individuals affected with RAI1-related conditions. This variant is not present in population databases (gnomAD no frequency). This sequence change replaces alanine, which is neutral and non-polar, with valine, which is neutral and non-polar, at codon 1279 of the RAI1 protein (p.Ala1279Val).

NM_030665.4(RAI1):c.3836C>T (p.Ala1279Val)

Gene: RAI1 (retinoic acid induced 1; plus strand). Cytogenetic location: 17p11.2.
Variant type: single nucleotide variant.
Coding change: c.3836C>T on transcript NM_030665.4 (MANE Select); coding-DNA position 3836, C replaced by T.
Protein change: p.Ala1279Val; replaces alanine 1279 with valine.
Molecular consequence: missense variant.
Genome position (GRCh38, 1-based): chr17:17,796,784, C>T. VCF-style: chr17-17796784-C-T. GRCh37 (hg19) VCF-style: chr17-17700098-C-T.
Other names: short protein forms A1279V.
Identifiers: ClinVar variation 2856201 (VCV002856201.3), dbSNP rs1157307616, ClinGen allele CA398555041.